The following is an entry in ClinVar:

ClinVar aggregate classification (germline): Uncertain significance (1 of 4 stars; one submission).

Submission:

Women's Health and Genetics/Laboratory Corporation of America, LabCorp
Classification: Uncertain significance. Last evaluated: 2026-04-15. Review status: criteria provided, single submitter. Criteria: LabCorp Variant Classification Summary - May 2015. Collection method: clinical testing. Allele origin: germline.
Comment: Variant summary: PKD1 c.12276_12277insGCTGCG (p.Ala4092_Leu4093insAlaAla) results in an in-frame insertion that is predicted to insert 2 amino acids into the encoded protein. The variant was absent in 243712 control chromosomes (gnomAD). The available data on variant occurrences in the general population are insufficient to allow any conclusion about variant significance. To our knowledge, no occurrence of c.12276_12277insGCTGCG in individuals affected with PKD1-related conditions and no experimental evidence demonstrating its impact on protein function have been reported. No submitters have cited clinical-significance assessments for this variant to ClinVar. Based on the evidence outlined above, the variant was classified as uncertain significance.

NM_001009944.3(PKD1):c.12276_12277insGCTGCG (p.Ala4092_Leu4093insAlaAla)

Gene: PKD1 (polycystin 1, transient receptor potential channel interacting; minus strand). Cytogenetic location: 16p13.3.
Variant type: Insertion.
Coding change: c.12276_12277insGCTGCG on transcript NM_001009944.3 (MANE Select); coding-DNA positions 12276 to 12277, GCTGCG inserted.
Protein change: p.Ala4092_Leu4093insAlaAla.
Genome position: GRCh38 VCF-style: chr16-2090452-G-GCGCAGC. GRCh37 (hg19) VCF-style: chr16-2140453-G-GCGCAGC.
Other names: c.12273_12274insGCTGCG, p.Ala4091_Leu4092insAlaAla (NM_000296.4).
Identifiers: ClinVar variation 4848549 (VCV004848549.1).
Genomic context (GRCh38, chr16:2,090,452, plus strand): 5'-AGGCGTGGTAGCGCCAGCGGAGAATAACAGCCCCCAGCCGTAGGGCGCCCCACAGCCGCA[G>GCGCAGC]TGCCCAGAGCCCCACACACAGCAGGGGTGACAGGTGCCAGGACTCGGCAGGACACAGGGT-3'